The following is an entry in ClinVar:

NM_007078.3(LDB3):c.818G>A (p.Arg273His)

Gene: LDB3 (LIM domain binding 3; plus strand). Cytogenetic location: 10q23.2.
Variant type: single nucleotide variant.
Coding change: c.818G>A on transcript NM_007078.3 (MANE Select); coding-DNA position 818, G replaced by A.
Protein change: p.Arg273His; replaces arginine 273 with histidine.
Molecular consequence: missense variant.
Genome position (GRCh38, 1-based): chr10:86,692,024, G>A. VCF-style: chr10-86692024-G-A. GRCh37 (hg19) VCF-style: chr10-88451781-G-A.
Other names: p.Arg273His; c.818G>A (NM_007078.2); c.677G>A, p.Arg226His (NM_001080116.1, NM_001080114.2, NM_001368066.1 and 2 more transcripts); c.818G>A, p.Arg273His (NM_001080115.2, NM_001368063.1, NM_001368064.1 and 1 more transcripts); c.1022G>A, p.Arg341His (NM_001171610.2, NM_001171611.2); c.677G>A (NM_001080114.1); short protein forms R341H, R273H, R226H.
Identifiers: ClinVar variation 880174 (VCV000880174.19), dbSNP rs763481542, ClinGen allele CA5584897.

ClinVar aggregate classification (germline): Uncertain significance. Review status: criteria provided, multiple submitters, no conflicts (2 of 4 stars). 8 submissions from 7 submitters: Uncertain significance (8). Last evaluated 2026-06-29.

Conditions:
Cardiovascular phenotype. Identifiers: MedGen CN230736.
LDB3-related disorder. Also called: LDB3-related condition.
Dilated cardiomyopathy 1C (CMD1C). Also called: CARDIOMYOPATHY, DILATED, 1C, WITH OR WITHOUT LEFT VENTRICULAR NONCOMPACTION; Cardiomyopathy, dilated, 1C, with or without LVNC. Identifiers: Orphanet 154, Orphanet 54260, MedGen C1832244, MONDO:0011094, OMIM 601493.
Myofibrillar myopathy 4. Also called: Zaspopathy (type). Identifiers: Orphanet 98912, MedGen C4721886, MONDO:0012277, OMIM 609452.

Allele frequency attached by ClinVar (database versions not stated): gnomAD exomes 0.00001; ExAC 0.00001; gnomAD 0.00002; TOPMed 0.00002.
gnomAD v4.1: 30 of 1,614,012 alleles (0.0019%); highest among the groups gnomAD compares: East Asian, 0.016%; no homozygotes.

Submissions (8):

Women's Health and Genetics/Laboratory Corporation of America, LabCorp
Classification: Uncertain significance. Last evaluated: 2026-06-29. Review status: criteria provided, single submitter. Criteria: LabCorp Variant Classification Summary - May 2015. Collection method: clinical testing. Allele origin: germline.
Comment: Variant summary: LDB3 c.818G>A (p.Arg273His) results in a non-conservative amino acid change in the encoded protein sequence. Algorithms developed to predict the effect of missense changes on protein structure and function are either unavailable or do not agree on the potential impact of this missense change. The variant allele was found at a frequency of 1.2e-05 in 251326 control chromosomes. The available data on variant occurrences in the general population are insufficient to allow any conclusion about variant significance. c.818G>A has been observed in individual(s) affected with LDB3-related conditions without strong evidence for causality (e.g. Haas_2015). These report(s) do not provide unequivocal conclusions about association of the variant with disease. To our knowledge, no experimental evidence demonstrating an impact on protein function has been reported. The following publication has been ascertained in the context of this evaluation (PMID: 25163546). ClinVar contains an entry for this variant (Variation ID: 880174). Based on the evidence outlined above, the variant was classified as uncertain significance.

PreventionGenetics, part of Exact Sciences
Classification: Uncertain significance for LDB3-related condition. Last evaluated: 2026-04-08. Review status: criteria provided, single submitter. Criteria: ACMG Guidelines, 2015. Collection method: clinical testing. Allele origin: germline.
Comment: The LDB3 c.677G>A variant is predicted to result in the amino acid substitution p.Arg226His. This variant has been reported in a dilated cardiomyopathy cohort (described as p.Arg341His in Table S6, Haas et al. 2015. PubMed ID: 25163546). This variant is reported in 0.0054% of alleles in individuals of East Asian descent in gnomAD. At this time, the clinical significance of this variant is uncertain due to the absence of conclusive functional and genetic evidence.

Labcorp Genetics (formerly Invitae), Labcorp
Classification: Uncertain significance for Myofibrillar myopathy 4. Last evaluated: 2023-11-20. Review status: criteria provided, single submitter. Criteria: Invitae Variant Classification Sherloc (09022015). Collection method: clinical testing. Allele origin: germline.
Comment: This sequence change replaces arginine, which is basic and polar, with histidine, which is basic and polar, at codon 226 of the LDB3 protein (p.Arg226His). This variant is present in population databases (rs763481542, gnomAD 0.006%). This missense change has been observed in individual(s) with dilated cardiomyopathy (PMID: 25163546). This variant is also known as NM_001171611:c.1022G>A (p.Arg341His). ClinVar contains an entry for this variant (Variation ID: 880174). An algorithm developed to predict the effect of missense changes on protein structure and function (PolyPhen-2) suggests that this variant is likely to be disruptive. In summary, the available evidence is currently insufficient to determine the role of this variant in disease. Therefore, it has been classified as a Variant of Uncertain Significance.

Mayo Clinic Laboratories, Mayo Clinic
Classification: Uncertain significance. Last evaluated: 2022-11-23. Review status: criteria provided, single submitter. Criteria: ACMG Guidelines, 2015. Collection method: clinical testing. Allele origin: germline. Observed: 2 variant alleles.

Ambry Genetics
Classification: Uncertain significance for Cardiovascular phenotype. Last evaluated: 2022-08-25. Review status: criteria provided, single submitter. Criteria: Ambry Variant Classification Scheme 2023. Collection method: clinical testing. Allele origin: germline.
Comment: The p.R273H variant (also known as c.818G>A), located in coding exon 5 of the LDB3 gene, results from a G to A substitution at nucleotide position 818. This variant (described as p.R341H) was detected in a dilated cardiomyopathy cohort; however, clinical details were limited (Haas J et al. Eur. Heart J., 2015 May;36:1123-35a). The arginine at codon 273 is replaced by histidine, an amino acid with highly similar properties. This amino acid position is not well conserved in available vertebrate species. In addition, the in silico prediction for this alteration is inconclusive. Since supporting evidence is limited at this time, the clinical significance of this alteration remains unclear.

Fulgent Genetics
Classification: Uncertain significance for Dilated cardiomyopathy 1C; Myofibrillar myopathy 4. Last evaluated: 2021-08-16. Review status: criteria provided, single submitter. Criteria: ACMG Guidelines, 2015. Collection method: clinical testing. Allele origin: unknown.

Illumina Laboratory Services, Illumina
Classification: Uncertain significance for Myofibrillar myopathy 4. Last evaluated: 2018-01-12. Review status: criteria provided, single submitter. Criteria: ICSL Variant Classification Criteria 13 December 2019. Collection method: clinical testing. Allele origin: germline.

Illumina Laboratory Services, Illumina
Classification: Uncertain significance for Dilated cardiomyopathy 1C. Last evaluated: 2018-01-12. Review status: criteria provided, single submitter. Criteria: ICSL Variant Classification Criteria 13 December 2019. Collection method: clinical testing. Allele origin: germline.

Literature cited by the submitters: PubMed 25163546 (cited by 4 submitters).